The following is an entry in ClinVar:

NM_001372.4(DNAH9):c.7853C>T (p.Pro2618Leu)

Gene: DNAH9 (dynein axonemal heavy chain 9; plus strand). Cytogenetic location: 17p12.
Variant type: single nucleotide variant.
Coding change: c.7853C>T on transcript NM_001372.4 (MANE Select); coding-DNA position 7853, C replaced by T.
Protein change: p.Pro2618Leu; replaces proline 2618 with leucine.
Molecular consequence: missense variant.
Genome position (GRCh38, 1-based): chr17:11,784,331, C>T. VCF-style: chr17-11784331-C-T. GRCh37 (hg19) VCF-style: chr17-11687648-C-T.
Other names: short protein forms P2618L.
Identifiers: ClinVar variation 1960983 (VCV001960983.3), dbSNP rs756305371, ClinGen allele CA8396752.

ClinVar aggregate classification (germline): Uncertain significance (1 of 4 stars; one submission).

Allele frequency attached by ClinVar (database versions not stated): ExAC 0.00003; gnomAD 0.00010; TOPMed 0.00010.
gnomAD v4.1: 58 of 1,614,040 alleles (0.0036%); highest among the groups gnomAD compares: African/African-American, 0.031%; no homozygotes.

Submission:

Labcorp Genetics (formerly Invitae), Labcorp
Classification: Uncertain significance. Last evaluated: 2023-12-11. Review status: criteria provided, single submitter. Criteria: Invitae Variant Classification Sherloc (09022015). Collection method: clinical testing. Allele origin: germline.
Comment: This sequence change replaces proline, which is neutral and non-polar, with leucine, which is neutral and non-polar, at codon 2618 of the DNAH9 protein (p.Pro2618Leu). This variant is present in population databases (rs756305371, gnomAD 0.03%). This variant has not been reported in the literature in individuals affected with DNAH9-related conditions. ClinVar contains an entry for this variant (Variation ID: 1960983). Advanced modeling of protein sequence and biophysical properties (such as structural, functional, and spatial information, amino acid conservation, physicochemical variation, residue mobility, and thermodynamic stability) performed at Invitae indicates that this missense variant is not expected to disrupt DNAH9 protein function with a negative predictive value of 80%. In summary, the available evidence is currently insufficient to determine the role of this variant in disease. Therefore, it has been classified as a Variant of Uncertain Significance.